The following is an entry in ClinVar:

NM_004208.4(AIFM1):c.402C>A (p.Phe134Leu)

Genes: AIFM1 (apoptosis inducing factor mitochondria associated 1; minus strand), RAB33A (RAB33A, member RAS oncogene family; plus strand). Cytogenetic location: Xq26.1.
Variant type: single nucleotide variant.
Coding change: c.402C>A on transcript NM_004208.4 (MANE Select); coding-DNA position 402, C replaced by A.
Protein change: p.Phe134Leu; replaces phenylalanine 134 with leucine.
Molecular consequence: missense variant. On other transcripts: non-coding transcript variant (1).
Genome position (GRCh38, 1-based): chrX:130,147,824, G>T on the plus strand (C>A on the coding strand, the complement: AIFM1 is on the minus strand). VCF-style: chrX-130147824-G-T. GRCh37 (hg19) VCF-style: chrX-129281799-G-T.
Other names: c.402C>A, p.Phe134Leu (NM_001130847.4); c.390C>A, p.Phe130Leu (NM_145812.3); short protein forms F130L, F134L.
Identifiers: ClinVar variation 1803412 (VCV001803412.1), dbSNP rs2523146566, ClinGen allele CA414589058.

ClinVar aggregate classification (germline): Uncertain significance (1 of 4 stars; one submission).

Submission:

GeneDx
Classification: Uncertain significance. Last evaluated: 2022-06-06. Review status: criteria provided, single submitter. Criteria: GeneDx Variant Classification Process June 2021. Collection method: clinical testing. Allele origin: germline. Affected: yes.
Comment: Not observed at significant frequency in large population cohorts (gnomAD); In silico analysis supports that this missense variant has a deleterious effect on protein structure/function; Has not been previously published as pathogenic or benign to our knowledge; This variant is associated with the following publications: (PMID: Cocomazzi201[Thesis])